The following is an entry in ClinVar:

ClinVar aggregate classification (germline): Uncertain significance. Review status: criteria provided, multiple submitters, no conflicts (2 of 4 stars). 2 submissions from 2 submitters: Uncertain significance (2). Last evaluated 2025-11-14.

Conditions:
Hereditary cancer-predisposing syndrome. Also called: Hereditary neoplastic syndrome; Tumor predisposition; Neoplastic Syndromes, Hereditary; Hereditary Cancer Syndrome. Identifiers: Orphanet 140162, MedGen C0027672, MeSH D009386, MONDO:0015356.
Familial cancer of breast. Also called: Hereditary breast cancer; hereditary breast carcinoma; BREAST CANCER, FAMILIAL. Identifiers: Orphanet 227535, MedGen C0346153, MONDO:0016419, OMIM 114480. Disease mechanism: loss of function.
Fanconi anemia complementation group J. Also called: BRIP1-Related Fanconi Anemia. Identifiers: Orphanet 84, MedGen C1836860, MONDO:0012187, OMIM 609054.

Submissions (2):

Ambry Genetics
Classification: Uncertain significance for Hereditary cancer-predisposing syndrome. Last evaluated: 2025-11-14. Review status: criteria provided, single submitter. Criteria: Ambry Variant Classification Scheme 2023. Collection method: clinical testing. Allele origin: germline.
Comment: The c.1453_1455delGCT variant (also known as p.A485del) is located in coding exon 9 of the BRIP1 gene. This variant results from an in-frame GCT deletion at nucleotide positions 1453 to 1455. This results in the in-frame deletion of an alanine at codon 485. This amino acid position is not well conserved in available vertebrate species. In addition, this variant is predicted to be deleterious by in silico analysis (Choi Y et al. PLoS ONE. 2012; 7(10):e46688). Based on the available evidence, the clinical significance of this variant remains unclear.

Labcorp Genetics (formerly Invitae), Labcorp
Classification: Uncertain significance for Familial cancer of breast; Fanconi anemia complementation group J. Last evaluated: 2024-11-07. Review status: criteria provided, single submitter. Criteria: Invitae Variant Classification Sherloc (09022015). Collection method: clinical testing. Allele origin: germline.
Comment: This variant, c.1453_1455del, results in the deletion of 1 amino acid(s) of the BRIP1 protein (p.Ala485del), but otherwise preserves the integrity of the reading frame. This variant is not present in population databases (gnomAD no frequency). This variant has not been reported in the literature in individuals affected with BRIP1-related conditions. ClinVar contains an entry for this variant (Variation ID: 952232). Experimental studies and prediction algorithms are not available or were not evaluated, and the functional significance of this variant is currently unknown. In summary, the available evidence is currently insufficient to determine the role of this variant in disease. Therefore, it has been classified as a Variant of Uncertain Significance.

NM_032043.3(BRIP1):c.1453_1455del (p.Ala485del)

Gene: BRIP1 (BRCA1 interacting DNA helicase 1; minus strand). Cytogenetic location: 17q23.2.
Variant type: Deletion.
Coding change: c.1453_1455del on transcript NM_032043.3 (MANE Select); coding-DNA positions 1453 to 1455, 3 bases deleted (GCT; older notation c.1453_1455delGCT).
Protein change: p.Ala485del; deletes alanine 485.
Molecular consequence: inframe deletion.
Genome position (GRCh38, 1-based): chr17:61,793,615-61,793,617, AGC deleted on the plus strand (GCT on the coding strand, the reverse complement: BRIP1 is on the minus strand); deleting any 3 consecutive bases within chr17:61,793,615-61,793,619 gives the same sequence; the c. name uses the placement nearest the transcript's 3' end. VCF-style (leftmost placement, unchanged base first): chr17-61793614-TAGC-T. GRCh37 (hg19) VCF-style: chr17-59870975-TAGC-T.
Other names: c.1453_1455delGCT (NM_032043.2); short protein forms A485del.
Identifiers: ClinVar variation 952232 (VCV000952232.11), dbSNP rs2077852941, ClinGen allele CA1139665787.